The following is an entry in ClinVar:

ClinVar aggregate classification (germline): Pathogenic/Likely pathogenic. Review status: criteria provided, multiple submitters, no conflicts (2 of 4 stars). 2 submissions from 2 submitters: Pathogenic (1); Likely pathogenic (1). Last evaluated 2025-09-01.

Conditions:
IDH3B-related disorders.

Allele frequency attached by ClinVar (database versions not stated): gnomAD 0.00001 and 0.00002; TOPMed 0.00001; ExAC 0.00002; gnomAD exomes 0.00002; 1000 Genomes Project 30x 0.00016; 1000 Genomes Project 0.00020.
gnomAD v4.1: 63 of 1,614,108 alleles (0.0039%); highest among the groups gnomAD compares: Non-Finnish European, 0.0048%; no homozygotes.

Submissions (2):

Labcorp Genetics (formerly Invitae), Labcorp
Classification: Pathogenic. Last evaluated: 2025-09-01. Review status: criteria provided, single submitter. Criteria: Invitae Variant Classification Sherloc (09022015). Collection method: clinical testing. Allele origin: germline.
Comment: This sequence change creates a premature translational stop signal (p.Arg164*) in the IDH3B gene. It is expected to result in an absent or disrupted protein product. Loss-of-function variants in IDH3B are known to be pathogenic (PMID: 18806796). This variant is present in population databases (rs185838502, gnomAD 0.003%). This variant has not been reported in the literature in individuals affected with IDH3B-related conditions. ClinVar contains an entry for this variant (Variation ID: 1513710). For these reasons, this variant has been classified as Pathogenic.

Blueprint Genetics
Classification: Likely pathogenic for IDH3B-related disorders. Last evaluated: 2024-07-23. Review status: criteria provided, single submitter. Criteria: ACMG Guidelines, 2015. Collection method: clinical testing. Allele origin: germline. Affected: yes. Observed: 2 variant alleles.

Literature cited by the submitters: PubMed 18806796 (cited by Labcorp Genetics (formerly Invitae), Labcorp).

NM_006899.5(IDH3B):c.490C>T (p.Arg164Ter)

Gene: IDH3B (isocitrate dehydrogenase (NAD(+)) 3 non-catalytic subunit beta; minus strand). Cytogenetic location: 20p13.
Variant type: single nucleotide variant.
Coding change: c.490C>T on transcript NM_006899.5 (MANE Select); coding-DNA position 490, C replaced by T.
Protein change: p.Arg164Ter; replaces arginine 164 with a stop codon.
Molecular consequence: nonsense. On other transcripts: non-coding transcript variant (1).
Genome position (GRCh38, 1-based): chr20:2,660,738, G>A on the plus strand (C>T on the coding strand, the complement: IDH3B is on the minus strand). VCF-style: chr20-2660738-G-A. GRCh37 (hg19) VCF-style: chr20-2641384-G-A.
Other names: c.490C>T, p.Arg164Ter (NM_001258384.3, NM_001330763.2, NM_174855.4); short protein forms R164*.
Identifiers: ClinVar variation 1513710 (VCV001513710.8), dbSNP rs185838502, ClinGen allele CA9735276.